The following is an entry in ClinVar:

NM_004239.4(TRIP11):c.5729A>T (p.Glu1910Val)

Gene: TRIP11 (thyroid hormone receptor interactor 11; minus strand). Cytogenetic location: 14q32.12.
Variant type: single nucleotide variant.
Coding change: c.5729A>T on transcript NM_004239.4 (MANE Select); coding-DNA position 5729, A replaced by T.
Protein change: p.Glu1910Val; replaces glutamic acid 1910 with valine.
Molecular consequence: missense variant.
Genome position (GRCh38, 1-based): chr14:91,969,884, T>A on the plus strand (A>T on the coding strand, the complement: TRIP11 is on the minus strand). VCF-style: chr14-91969884-T-A. GRCh37 (hg19) VCF-style: chr14-92436228-T-A.
Other names: c.5726A>T, p.Glu1909Val (NM_001321851.1); short protein forms E1910V, E1909V.
Identifiers: ClinVar variation 1521684 (VCV001521684.6), dbSNP rs370052334, ClinGen allele CA7313057.

ClinVar aggregate classification (germline): Uncertain significance (1 of 4 stars; one submission).

Conditions:
Achondrogenesis, type IA (ACG1A). Identifiers: Orphanet 932, Orphanet 93299, MedGen C0265273, MONDO:0008701, OMIM 200600.

Allele frequency attached by ClinVar (database versions not stated): gnomAD exomes below 0.00001 and 0.00001; ExAC 0.00003; ESP Exome Variant Server 0.00008.
gnomAD v4.1: 5 of 1,613,740 alleles (0.00031%); highest among the groups gnomAD compares: South Asian, 0.0011%; no homozygotes.

Submission:

Labcorp Genetics (formerly Invitae), Labcorp
Classification: Uncertain significance for Achondrogenesis, type IA. Last evaluated: 2024-10-08. Review status: criteria provided, single submitter. Criteria: Invitae Variant Classification Sherloc (09022015). Collection method: clinical testing. Allele origin: germline.
Comment: This sequence change replaces glutamic acid with valine at codon 1910 of the TRIP11 protein (p.Glu1910Val). The glutamic acid residue is weakly conserved and there is a moderate physicochemical difference between glutamic acid and valine. This variant is present in population databases (rs370052334, gnomAD 0.003%). This variant has not been reported in the literature in individuals affected with TRIP11-related conditions. ClinVar contains an entry for this variant (Variation ID: 1521684). Invitae Evidence Modeling of protein sequence and biophysical properties (such as structural, functional, and spatial information, amino acid conservation, physicochemical variation, residue mobility, and thermodynamic stability) indicates that this missense variant is not expected to disrupt TRIP11 protein function with a negative predictive value of 80%. In summary, the available evidence is currently insufficient to determine the role of this variant in disease. Therefore, it has been classified as a Variant of Uncertain Significance.